The following is an entry in ClinVar:

ClinVar aggregate classification (germline): Uncertain significance. Review status: criteria provided, multiple submitters, no conflicts (2 of 4 stars). 4 submissions from 4 submitters: Uncertain significance (4). Last evaluated 2026-02-01.

Conditions:
Oligodontia-cancer predisposition syndrome. Also called: TOOTH AGENESIS-COLORECTAL CANCER SYNDROME. Identifiers: Orphanet 300576, MedGen C1837750, MONDO:0012075, OMIM 608615. Disease mechanism: loss of function.
Colorectal cancer. Also called: Malignant Colorectal Neoplasm; Colorectal cancer, somatic. Identifiers: MedGen C0346629, MONDO:0005575, OMIM 114500.
Hereditary cancer-predisposing syndrome. Also called: Neoplastic Syndromes, Hereditary; Tumor predisposition; Hereditary Cancer Syndrome; Hereditary neoplastic syndrome. Identifiers: Orphanet 140162, MedGen C0027672, MeSH D009386, MONDO:0015356.

Allele frequency attached by ClinVar (database versions not stated): gnomAD exomes below 0.00001 and 0.00001; ExAC 0.00001; gnomAD 0.00001; TOPMed 0.00003; ESP Exome Variant Server 0.00008.
gnomAD v4.1: 4 of 1,608,790 alleles (0.00025%); highest among the groups gnomAD compares: African/African-American, 0.004%; no homozygotes.

Submissions (4):

Labcorp Genetics (formerly Invitae), Labcorp
Classification: Uncertain significance for Oligodontia-cancer predisposition syndrome. Last evaluated: 2026-02-01. Review status: criteria provided, single submitter. Criteria: Invitae Variant Classification Sherloc (09022015). Collection method: clinical testing. Allele origin: germline.
Comment: This sequence change replaces proline, which is neutral and non-polar, with serine, which is neutral and polar, at codon 48 of the AXIN2 protein (p.Pro48Ser). This variant is present in population databases (rs373435521, gnomAD 0.007%). This variant has not been reported in the literature in individuals affected with AXIN2-related conditions. ClinVar contains an entry for this variant (Variation ID: 464548). Invitae Evidence Modeling of protein sequence and biophysical properties (such as structural, functional, and spatial information, amino acid conservation, physicochemical variation, residue mobility, and thermodynamic stability) indicates that this missense variant is not expected to disrupt AXIN2 protein function with a negative predictive value of 80%. In summary, the available evidence is currently insufficient to determine the role of this variant in disease. Therefore, it has been classified as a Variant of Uncertain Significance.

Ambry Genetics
Classification: Uncertain significance for Hereditary cancer-predisposing syndrome. Last evaluated: 2024-12-17. Review status: criteria provided, single submitter. Criteria: Ambry Variant Classification Scheme 2023. Collection method: clinical testing. Allele origin: germline.

Fulgent Genetics
Classification: Uncertain significance for Colorectal cancer; Oligodontia-cancer predisposition syndrome. Last evaluated: 2024-04-23. Review status: criteria provided, single submitter. Criteria: ACMG Guidelines, 2015. Collection method: clinical testing. Allele origin: germline.

GeneDx
Classification: Uncertain significance. Last evaluated: 2024-04-04. Review status: criteria provided, single submitter. Criteria: GeneDx Variant Classification Process June 2021. Collection method: clinical testing. Allele origin: germline. Affected: yes.
Comment: Not observed at significant frequency in large population cohorts (gnomAD); In silico analysis indicates that this missense variant does not alter protein structure/function; Has not been previously published as pathogenic or benign to our knowledge

NM_004655.4(AXIN2):c.142C>T (p.Pro48Ser)

Gene: AXIN2 (axin 2; minus strand). Cytogenetic location: 17q24.1.
Variant type: single nucleotide variant.
Coding change: c.142C>T on transcript NM_004655.4 (MANE Select); coding-DNA position 142, C replaced by T.
Protein change: p.Pro48Ser; replaces proline 48 with serine.
Molecular consequence: missense variant.
Genome position (GRCh38, 1-based): chr17:65,558,479, G>A on the plus strand (C>T on the coding strand, the complement: AXIN2 is on the minus strand). VCF-style: chr17-65558479-G-A. GRCh37 (hg19) VCF-style: chr17-63554597-G-A.
Other names: c.142C>T, p.Pro48Ser (NM_001363813.1); c.142C>T (LRG_296t1); short protein forms P48S.
Identifiers: ClinVar variation 464548 (VCV000464548.15), dbSNP rs373435521, ClinGen allele CA8719094.